The following is an entry in ClinVar:

ClinVar aggregate classification (germline): Likely benign. Review status: criteria provided, multiple submitters, no conflicts (2 of 4 stars). 3 submissions from 3 submitters: Likely benign (3). Last evaluated 2026-01-11.

Conditions:
Malignant hyperthermia, susceptibility to, 1 (MHS1). Also called: Malignant hyperthermia suceptibility 1; Anesthesia related hyperthermia; Malignant hyperpyrexia; Fulminating hyperpyrexia; Pharmacogenic myopathy; RYR1-Related Malignant Hyperthermia Susceptibility. Identifiers: Orphanet 423, MedGen C2930980, MONDO:0007783, OMIM 145600.
RYR1-related disorder. Also called: RYR1-related condition; RYR1-related disorders. Identifiers: MedGen CN239331.

Allele frequency attached by ClinVar (database versions not stated): gnomAD exomes below 0.00001 and 0.00003; gnomAD 0.00003.

Submissions (3):

Labcorp Genetics (formerly Invitae), Labcorp
Classification: Likely benign for RYR1-related disorder. Last evaluated: 2026-01-11. Review status: criteria provided, single submitter. Criteria: Invitae Variant Classification Sherloc (09022015). Collection method: clinical testing. Allele origin: germline.

All of Us Research Program, National Institutes of Health
Classification: Likely benign for Malignant hyperthermia, susceptibility to, 1. Last evaluated: 2024-08-31. Review status: criteria provided, single submitter. Criteria: ACMG Guidelines, 2015. Collection method: clinical testing. Allele origin: germline. Inheritance: Autosomal dominant inheritance. Observed: 7 variant alleles, 7 heterozygotes.
Comment: This study involves interpretation of variants in research participants for the purpose of population health screening. Participant phenotype was not available at the time of variant classification. Additional details can be found in publication PMID: 35346344, PMCID: PMC8962531

Color Diagnostics, LLC DBA Color Health
Classification: Likely benign for Malignant hyperthermia, susceptibility to, 1. Last evaluated: 2022-12-12. Review status: criteria provided, single submitter. Criteria: ACMG Guidelines, 2015. Collection method: clinical testing. Allele origin: germline.

NM_000540.3(RYR1):c.7836-12A>G

Gene: RYR1 (ryanodine receptor 1; plus strand). Cytogenetic location: 19q13.2.
Variant type: single nucleotide variant.
Coding change: c.7836-12A>G on transcript NM_000540.3 (MANE Select); 12 bases into the intron before coding-DNA position 7836, A replaced by G.
Molecular consequence: intron variant.
Genome position (GRCh38, 1-based): chr19:38,502,868, A>G. VCF-style: chr19-38502868-A-G. GRCh37 (hg19) VCF-style: chr19-38993508-A-G.
Other names: c.7836-12A>G (NM_001042723.2).
Identifiers: ClinVar variation 1646500 (VCV001646500.11), dbSNP rs750768318, ClinGen allele CA308113289.